The following is an entry in ClinVar:

ClinVar aggregate classification (germline): Likely pathogenic (1 of 4 stars; one submission).

Allele frequency attached by ClinVar (database versions not stated): gnomAD exomes 0.00001.
gnomAD v4.1: 18 of 1,548,456 alleles (0.0012%); highest among the groups gnomAD compares: Non-Finnish European, 0.0015%; no homozygotes.

Submission:

Labcorp Genetics (formerly Invitae), Labcorp
Classification: Likely pathogenic. Last evaluated: 2025-11-27. Review status: criteria provided, single submitter. Criteria: Invitae Variant Classification Sherloc (09022015). Collection method: clinical testing. Allele origin: germline.
Comment: This sequence change affects a donor splice site in intron 14 of the LTBP4 gene. It is expected to disrupt RNA splicing. Variants that disrupt the donor or acceptor splice site typically lead to a loss of protein function (PMID: 16199547), and loss-of-function variants in LTBP4 are known to be pathogenic (PMID: 19836010, 22829427). This variant is not present in population databases (gnomAD no frequency). This variant has not been reported in the literature in individuals affected with LTBP4-related conditions. ClinVar contains an entry for this variant (Variation ID: 2982417). Algorithms developed to predict the effect of sequence changes on RNA splicing suggest that this variant may disrupt the consensus splice site. In summary, the currently available evidence indicates that the variant is pathogenic, but additional data are needed to prove that conclusively. Therefore, this variant has been classified as Likely Pathogenic.

Literature cited by the submitters: PubMed 16199547; PubMed 19836010; PubMed 22829427.

NM_001042545.2(LTBP4):c.1684+2T>A

Genes: LTBP4 (latent transforming growth factor beta binding protein 4; plus strand), LOC130064476 (ATAC-STARR-seq lymphoblastoid silent region 10640; plus strand). Cytogenetic location: 19q13.2.
Variant type: single nucleotide variant.
Coding change: c.1684+2T>A on transcript NM_001042545.2 (MANE Select); the canonical splice donor site of the intron after coding-DNA position 1684, T replaced by A.
Molecular consequence: splice donor variant.
Genome position (GRCh38, 1-based): chr19:40,609,873, T>A. VCF-style: chr19-40609873-T-A. GRCh37 (hg19) VCF-style: chr19-41115779-T-A.
Other names: c.1774+2T>A (NM_003573.2); c.1885+2T>A (NM_001042544.1).
Identifiers: ClinVar variation 2982417 (VCV002982417.3), dbSNP rs2515356493, ClinGen allele CA405937009.